The following is an entry in ClinVar:

NM_001042413.2(GLIS3):c.205G>A (p.Ala69Thr)

Gene: GLIS3 (GLIS family zinc finger 3; minus strand). Cytogenetic location: 9p24.2.
Variant type: single nucleotide variant.
Coding change: c.205G>A on transcript NM_001042413.2 (MANE Select); coding-DNA position 205, G replaced by A.
Protein change: p.Ala69Thr; replaces alanine 69 with threonine.
Molecular consequence: missense variant.
Genome position (GRCh38, 1-based): chr9:4,286,221, C>T on the plus strand (G>A on the coding strand, the complement: GLIS3 is on the minus strand). VCF-style: chr9-4286221-C-T. GRCh37 (hg19) VCF-style: chr9-4286221-C-T.
Other names: short protein forms A69T.
Identifiers: ClinVar variation 1030058 (VCV001030058.1), dbSNP rs1827980738, ClinGen allele CA372808692.

ClinVar aggregate classification (germline): Uncertain significance (1 of 4 stars; one submission).

Conditions:
Neonatal diabetes mellitus with congenital hypothyroidism. Also called: NDH SYNDROME. Identifiers: Orphanet 79118, MedGen C1857775, MONDO:0012436, OMIM 610199.

Allele frequency attached by ClinVar (database versions not stated): TOPMed below 0.00001.
gnomAD v4.1: 1 of 1,614,210 alleles (0.000062%); highest among the groups gnomAD compares: Non-Finnish European, 0.000085%; no homozygotes.

Submission:

Baylor Genetics
Classification: Uncertain significance for Neonatal diabetes mellitus with congenital hypothyroidism. Last evaluated: 2020-02-21. Review status: criteria provided, single submitter. Criteria: ACMG Guidelines, 2015. Collection method: clinical testing. Allele origin: unknown. Affected: yes.
Comment: This variant was determined to be of uncertain significance according to ACMG Guidelines, 2015 [PMID:25741868].